The following is an entry in ClinVar:

NM_001572.5(IRF7):c.1357-23dup

Gene: IRF7 (interferon regulatory factor 7; minus strand). Cytogenetic location: 11p15.5.
Variant type: Duplication.
Coding change: c.1357-23dup on transcript NM_001572.5 (MANE Select); 23 bases into the intron before coding-DNA position 1357, one base duplicated (A; older notation c.1357-23dupA).
Molecular consequence: intron variant.
Genome position (GRCh38, 1-based): chr11:612,823, T duplicated on the plus strand (A on the coding strand, the reverse complement: IRF7 is on the minus strand). VCF-style (leftmost placement, unchanged base first): chr11-612822-C-CT. GRCh37 (hg19) VCF-style: chr11-612822-C-CT.
Other names: c.1270-23dup (NM_004029.4); c.1396-23dup (NM_004031.4).
Identifiers: ClinVar variation 2688201 (VCV002688201.2), dbSNP rs34948036, ClinGen allele CA5783471.
Genomic context (GRCh38, chr11:612,822, plus strand): 5'-CGTGCCCTCTAGGTGCACTCGGCACAGCCAGGGTTCCAGCTGCCAGGAGGGATCGGGCGT[C>CT]TGTCAGTGACCCGGCGTGTGTCCTCCCCTCCCCCTCCCCAGGCTCTGAGGGCGTCGGGCG-3'

ClinVar aggregate classification (germline): Benign (1 of 4 stars; one submission).

Allele frequency attached by ClinVar (database versions not stated): TOPMed 0.18750; ESP Exome Variant Server 0.19088; 1000 Genomes Project 30x 0.19300; 1000 Genomes Project 0.19728; gnomAD 0.20670; ExAC 0.24664; gnomAD exomes 0.26042.

Submission:

Unidad de Genómica Garrahan, Hospital de Pediatría Garrahan
Classification: Benign. Last evaluated: 2024-01-24. Review status: criteria provided, single submitter. Criteria: ACMG Guidelines, 2015. Collection method: clinical testing. Allele origin: germline. Affected: no. Observed: 34 variant alleles.
Comment: This variant is classified as Benign based on local population frequency. This variant was detected in 36% of patients studied by a panel of primary immunodeficiencies. Number of patients: 34. Only high quality variants are reported.